The following is an entry in ClinVar:

NM_001164508.2(NEB):c.47A>G (p.Glu16Gly)

Gene: NEB (nebulin; minus strand). Cytogenetic location: 2q23.3.
Variant type: single nucleotide variant.
Coding change: c.47A>G on transcript NM_001164508.2 (MANE Select); coding-DNA position 47, A replaced by G.
Protein change: p.Glu16Gly; replaces glutamic acid 16 with glycine.
Molecular consequence: missense variant.
Genome position (GRCh38, 1-based): chr2:151,729,646, T>C on the plus strand (A>G on the coding strand, the complement: NEB is on the minus strand). VCF-style: chr2-151729646-T-C. GRCh37 (hg19) VCF-style: chr2-152586160-T-C.
Other names: c.47A>G, p.Glu16Gly (NM_001164507.2, NM_001271208.2, NM_004543.5); short protein forms E16G.
Identifiers: ClinVar variation 2158902 (VCV002158902.1), dbSNP rs748679499, ClinGen allele CA57654392.

ClinVar aggregate classification (germline): Uncertain significance (1 of 4 stars; one submission).

Conditions:
Nemaline myopathy 2 (NEM2). Also called: Nemaline myopathy 2, autosomal recessive. Identifiers: MedGen C1850569, MONDO:0009725, OMIM 256030.

gnomAD v4.1: 2 of 1,613,376 alleles (0.00012%); no homozygotes.

Submission:

Labcorp Genetics (formerly Invitae), Labcorp
Classification: Uncertain significance for Nemaline myopathy 2. Last evaluated: 2022-03-26. Review status: criteria provided, single submitter. Criteria: Invitae Variant Classification Sherloc (09022015). Collection method: clinical testing. Allele origin: germline.
Comment: This sequence change replaces glutamic acid, which is acidic and polar, with glycine, which is neutral and non-polar, at codon 16 of the NEB protein (p.Glu16Gly). This variant is not present in population databases (gnomAD no frequency). This variant has not been reported in the literature in individuals affected with NEB-related conditions. Algorithms developed to predict the effect of missense changes on protein structure and function are either unavailable or do not agree on the potential impact of this missense change (SIFT: "Deleterious"; PolyPhen-2: "Not Available"; Align-GVGD: "Class C0"). Algorithms developed to predict the effect of sequence changes on RNA splicing suggest that this variant may disrupt the consensus splice site. In summary, the available evidence is currently insufficient to determine the role of this variant in disease. Therefore, it has been classified as a Variant of Uncertain Significance.